The following is an entry in ClinVar:

ClinVar aggregate classification (germline): Benign. Review status: criteria provided, multiple submitters, no conflicts (2 of 4 stars). 2 submissions from 2 submitters: Benign (2). Last evaluated 2026-02-04.

Conditions:
Ichthyosis prematurity syndrome (IPS). Also called: ICHTHYOSIS CONGENITA IV. Identifiers: Orphanet 88621, MedGen C1837610, MONDO:0012089, OMIM 608649.

Allele frequency attached by ClinVar (database versions not stated): 1000 Genomes Project 0.01198; 1000 Genomes Project 30x 0.01218; gnomAD exomes 0.03080 and 0.02198; gnomAD 0.02237 and 0.02275; TOPMed 0.02300; ExAC 0.02309; ESP Exome Variant Server 0.02783.

Submissions (2):

Labcorp Genetics (formerly Invitae), Labcorp
Classification: Benign. Last evaluated: 2026-02-04. Review status: criteria provided, single submitter. Criteria: Invitae Variant Classification Sherloc (09022015). Collection method: clinical testing. Allele origin: germline.

Breakthrough Genomics
Classification: Benign. Review status: criteria provided, single submitter. Criteria: ACMG Guidelines, 2015. Collection method: not provided. Allele origin: germline. Inheritance: Autosomal recessive inheritance. Affected: yes.

NM_005094.4(SLC27A4):c.1052A>G (p.Asn351Ser)

Gene: SLC27A4 (solute carrier family 27 member 4; plus strand). Cytogenetic location: 9q34.11.
Variant type: single nucleotide variant.
Coding change: c.1052A>G on transcript NM_005094.4 (MANE Select); coding-DNA position 1052, A replaced by G.
Protein change: p.Asn351Ser; replaces asparagine 351 with serine.
Molecular consequence: missense variant.
Genome position (GRCh38, 1-based): chr9:128,353,089, A>G. VCF-style: chr9-128353089-A-G. GRCh37 (hg19) VCF-style: chr9-131115368-A-G.
Other names: short protein forms N351S.
Identifiers: ClinVar variation 684535 (VCV000684535.11), dbSNP rs111417655, ClinGen allele CA500021.